The following is an entry in ClinVar:

ClinVar aggregate classification (germline): Uncertain significance (1 of 4 stars; one submission).

Conditions:
Focal segmental glomerulosclerosis 5 (FSGS5). Identifiers: Orphanet 656, MedGen C2750475, MONDO:0013191, OMIM 613237.
Charcot-Marie-Tooth disease dominant intermediate E. Also called: CHARCOT-MARIE-TOOTH NEUROPATHY WITH FOCAL SEGMENTAL GLOMERULONEPHRITIS. Identifiers: Orphanet 93114, MedGen C4302667, MONDO:0013758, OMIM 614455.

Submission:

Labcorp Genetics (formerly Invitae), Labcorp
Classification: Uncertain significance for Charcot-Marie-Tooth disease dominant intermediate E; Focal segmental glomerulosclerosis 5. Last evaluated: 2024-04-10. Review status: criteria provided, single submitter. Criteria: Invitae Variant Classification Sherloc (09022015). Collection method: clinical testing. Allele origin: germline.
Comment: This sequence change replaces glycine, which is neutral and non-polar, with cysteine, which is neutral and slightly polar, at codon 207 of the INF2 protein (p.Gly207Cys). This variant is not present in population databases (gnomAD no frequency). This variant has not been reported in the literature in individuals affected with INF2-related conditions. ClinVar contains an entry for this variant (Variation ID: 1719059). Advanced modeling of protein sequence and biophysical properties (such as structural, functional, and spatial information, amino acid conservation, physicochemical variation, residue mobility, and thermodynamic stability) performed at Invitae indicates that this missense variant is expected to disrupt INF2 protein function with a positive predictive value of 95%. In summary, the available evidence is currently insufficient to determine the role of this variant in disease. Therefore, it has been classified as a Variant of Uncertain Significance.

NM_022489.4(INF2):c.619G>T (p.Gly207Cys)

Gene: INF2 (inverted formin 2; plus strand). Cytogenetic location: 14q32.33.
Variant type: single nucleotide variant.
Coding change: c.619G>T on transcript NM_022489.4 (MANE Select); coding-DNA position 619, G replaced by T.
Protein change: p.Gly207Cys; replaces glycine 207 with cysteine.
Molecular consequence: missense variant.
Genome position (GRCh38, 1-based): chr14:104,703,406, G>T. VCF-style: chr14-104703406-G-T. GRCh37 (hg19) VCF-style: chr14-105169743-G-T.
Other names: c.619G>T, p.Gly207Cys (NM_001031714.4, NM_032714.3); short protein forms G207C.
Identifiers: ClinVar variation 1719059 (VCV001719059.6), dbSNP rs2504243556, ClinGen allele CA391213392.
Genomic context (GRCh38, chr14:104,703,406, plus strand): 5'-GGCAGCGACAACGTGCCCTACGTGGTCACCCTGCTTAGCGTGATCAACGCCGTCATCTTG[G>T]GCCCCGAGGACCTGCGCGCGCGCACCCAGCTGCGGAACGAGTTTATCGGTAAGCACCTGC-3'
Protein context (NP_071934.3, residues 197-217): LLSVINAVIL[Gly207Cys]PEDLRARTQL